The following is an entry in ClinVar:

NM_206933.4(USH2A):c.7094del (p.Phe2365fs)

Gene: USH2A (usherin; minus strand). Cytogenetic location: 1q41.
Variant type: Deletion.
Coding change: c.7094del on transcript NM_206933.4 (MANE Select); coding-DNA position 7094, one base deleted (T; older notation c.7094delT).
Protein change: p.Phe2365fs; shifts the reading frame from phenylalanine 2365.
Molecular consequence: frameshift variant.
Genome position (GRCh38, 1-based): chr1:215,965,343, A deleted on the plus strand (T on the coding strand, the reverse complement: USH2A is on the minus strand); the first of 4 consecutive A bases (chr1:215,965,343-215,965,346); deleting any one gives the same sequence. VCF-style (leftmost placement, unchanged base first): chr1-215965342-GA-G. GRCh37 (hg19) VCF-style: chr1-216138684-GA-G.
Other names: short protein forms F2365fs.
Identifiers: ClinVar variation 4822831 (VCV004822831.4).
Genomic context (GRCh38, chr1:215,965,342, plus strand): 5'-TGTTATTTAAAGTTTAGAAAATAAAAACAAATTACCTGGGTCTACATAGAATATCCCAGT[GA>G]AAAGGACTGAGTGTGTTAAGAGTCCATTAGGGCGAAAAGGTGCTTCCCACCTCACGTGGG-3'

ClinVar aggregate classification (germline): Pathogenic (1 of 4 stars; one submission).

Submission:

CeGaT Center for Human Genetics Tuebingen
Classification: Pathogenic. Last evaluated: 2026-02-01. Review status: criteria provided, single submitter. Criteria: CeGaT Center For Human Genetics Tuebingen Variant Classification Criteria Version 2. Collection method: clinical testing. Allele origin: germline. Affected: yes. Observed: 1 variant allele.
Comment: USH2A: PVS1, PM2